The following is an entry in ClinVar:

ClinVar aggregate classification (germline): Uncertain significance (1 of 4 stars; one submission).

Allele frequency attached by ClinVar (database versions not stated): gnomAD exomes below 0.00001.
gnomAD v4.1: 1 of 1,613,628 alleles (0.000062%); highest among the groups gnomAD compares: African/African-American, 0.0013%; no homozygotes.

Submission:

Labcorp Genetics (formerly Invitae), Labcorp
Classification: Uncertain significance. Last evaluated: 2023-10-14. Review status: criteria provided, single submitter. Criteria: Invitae Variant Classification Sherloc (09022015). Collection method: clinical testing. Allele origin: germline.
Comment: This sequence change replaces glutamine, which is neutral and polar, with arginine, which is basic and polar, at codon 41 of the LYN protein (p.Gln41Arg). This variant is not present in population databases (gnomAD no frequency). This variant has not been reported in the literature in individuals affected with LYN-related conditions. An algorithm developed to predict the effect of missense changes on protein structure and function (PolyPhen-2) suggests that this variant is likely to be tolerated. In summary, the available evidence is currently insufficient to determine the role of this variant in disease. Therefore, it has been classified as a Variant of Uncertain Significance.

NM_002350.4(LYN):c.122A>G (p.Gln41Arg)

Gene: LYN (LYN proto-oncogene, Src family tyrosine kinase; plus strand). Cytogenetic location: 8q12.1.
Variant type: single nucleotide variant.
Coding change: c.122A>G on transcript NM_002350.4 (MANE Select); coding-DNA position 122, A replaced by G.
Protein change: p.Gln41Arg; replaces glutamine 41 with arginine.
Molecular consequence: missense variant. On other transcripts: intron variant (1).
Genome position (GRCh38, 1-based): chr8:55,941,981, A>G. VCF-style: chr8-55941981-A-G. GRCh37 (hg19) VCF-style: chr8-56854540-A-G.
Other names: c.69+53A>G (NM_001111097.3); short protein forms Q41R.
Identifiers: ClinVar variation 2968460 (VCV002968460.3), dbSNP rs2487490856, ClinGen allele CA371278091.